The following is an entry in ClinVar:

NM_001405708.1(BCL11A):c.*76G>C

Gene: BCL11A (BCL11 transcription factor A; minus strand). Cytogenetic location: 2p16.1.
Variant type: single nucleotide variant.
Coding change: c.*76G>C on transcript NM_001405708.1; 76 bases downstream of the stop codon, G replaced by C.
Molecular consequence: 3 prime UTR variant. On other transcripts: missense variant (9), synonymous variant (7), non-coding transcript variant (1).
Genome position (GRCh38, 1-based): chr2:60,452,593, C>G on the plus strand (G>C on the coding strand, the complement: BCL11A is on the minus strand). VCF-style: chr2-60452593-C-G. GRCh37 (hg19) VCF-style: chr2-60679728-C-G.
Other names: c.2354G>C, p.Arg785Pro (NM_001363864.1); c.2456G>C, p.Arg819Pro (NM_001405710.1); c.*76G>C (NM_001405712.1, NM_001405715.1, NM_001405718.1 and 1 more transcripts); c.2300G>C, p.Arg767Pro (NM_001405716.1); c.2202G>C, p.Ser734= (NM_001405719.1); c.2148G>C, p.Ser716= (NM_001405722.1, NM_001405723.1); c.2046G>C, p.Ser682= (NM_001405724.1); c.1767G>C, p.Ser589= (NM_001405730.1); and 6 more; short protein forms R149P, R183P, R201P, R235P, R767P, R785P, R819P.
Identifiers: ClinVar variation 2650959 (VCV002650959.22), dbSNP rs768802721, ClinGen allele CA347035397.

ClinVar aggregate classification (germline): Uncertain significance (1 of 4 stars; one submission).

gnomAD v4.1: 1 of 1,613,742 alleles (0.000062%); highest among the groups gnomAD compares: Non-Finnish European, 0.000085%; no homozygotes.

Submission:

CeGaT Center for Human Genetics Tuebingen
Classification: Uncertain significance. Last evaluated: 2022-05-01. Review status: criteria provided, single submitter. Criteria: CeGaT Center For Human Genetics Tuebingen Variant Classification Criteria Version 2. Collection method: clinical testing. Allele origin: germline. Affected: yes. Observed: 1 variant allele.
Comment: BCL11A: PM2, PP2, BP4